The following is an entry in ClinVar:

NM_002185.5(IL7R):c.376A>C (p.Ile126Leu)

Gene: IL7R (interleukin 7 receptor; plus strand). Cytogenetic location: 5p13.2.
Variant type: single nucleotide variant.
Coding change: c.376A>C on transcript NM_002185.5 (MANE Select); coding-DNA position 376, A replaced by C.
Protein change: p.Ile126Leu; replaces isoleucine 126 with leucine.
Molecular consequence: missense variant. On other transcripts: non-coding transcript variant (1).
Genome position (GRCh38, 1-based): chr5:35,867,460, A>C. VCF-style: chr5-35867460-A-C. GRCh37 (hg19) VCF-style: chr5-35867562-A-C.
Other names: c.376A>C (NM_002185.2); short protein forms I126L.
Identifiers: ClinVar variation 353263 (VCV000353263.18), dbSNP rs201207454, ClinGen allele CA3231930.
Genomic context (GRCh38, chr5:35,867,460, plus strand): 5'-AATATATGTGTGAAGGTTGGAGAAAAGAGTCTAACCTGCAAAAAAATAGACCTAACCACT[A>C]TAGGTAAGAAGTTGTATATAAAAGTATGGTTGTCACTTTTGGGCTACCTGAAAACACTGT-3'
Protein context (NP_002176.2, residues 116-136): LTCKKIDLTT[Ile126Leu]VKPEAPFDLS

ClinVar aggregate classification (germline): Uncertain significance. Review status: criteria provided, multiple submitters, no conflicts (2 of 4 stars). 4 submissions from 4 submitters: Uncertain significance (4). Last evaluated 2026-01-26.

Conditions:
Inborn genetic diseases. Identifiers: MedGen C0950123, MeSH D030342.
Immunodeficiency 104. Also called: SCID, AUTOSOMAL RECESSIVE, T CELL-NEGATIVE, B CELL-POSITIVE, NK CELL-POSITIVE; Severe Combined Immune Deficiency, Autosomal Recessive, TCell -Negative, B Cell-Positive, NK Cell-Positive, IL7R-Related; Severe combined immunodeficiency, autosomal recessive, T cell-negative, B cell-positive, NK cell-positive; IMMUNODEFICIENCY 104, SEVERE COMBINED. Identifiers: MedGen C5676890, MONDO:0012163, OMIM 608971.

Allele frequency attached by ClinVar (database versions not stated): TOPMed 0.00010.
gnomAD v4.1: 98 of 1,611,288 alleles (0.0061%); highest among the groups gnomAD compares: Middle Eastern, 0.033%; 1 homozygote.

Submissions (4):

Labcorp Genetics (formerly Invitae), Labcorp
Classification: Uncertain significance for Immunodeficiency 104. Last evaluated: 2026-01-26. Review status: criteria provided, single submitter. Criteria: Invitae Variant Classification Sherloc (09022015). Collection method: clinical testing. Allele origin: germline.
Comment: This sequence change replaces isoleucine, which is neutral and non-polar, with leucine, which is neutral and non-polar, at codon 126 of the IL7R protein (p.Ile126Leu). This variant is present in population databases (rs201207454, gnomAD 0.02%). This variant has not been reported in the literature in individuals affected with IL7R-related conditions. ClinVar contains an entry for this variant (Variation ID: 353263). Invitae Evidence Modeling of protein sequence and biophysical properties (such as structural, functional, and spatial information, amino acid conservation, physicochemical variation, residue mobility, and thermodynamic stability) indicates that this missense variant is expected to disrupt IL7R protein function with a positive predictive value of 95%. In summary, the available evidence is currently insufficient to determine the role of this variant in disease. Therefore, it has been classified as a Variant of Uncertain Significance.

Ambry Genetics
Classification: Uncertain significance for Inborn genetic diseases. Last evaluated: 2025-12-15. Review status: criteria provided, single submitter. Criteria: Ambry Variant Classification Scheme 2023. Collection method: clinical testing. Allele origin: germline.

Blueprint Genetics
Classification: Uncertain significance. Last evaluated: 2023-03-28. Review status: criteria provided, single submitter. Criteria: ACMG Guidelines, 2015. Collection method: clinical testing. Allele origin: germline.

Illumina Laboratory Services, Illumina
Classification: Uncertain significance for Immunodeficiency 104. Last evaluated: 2018-01-12. Review status: criteria provided, single submitter. Criteria: ICSL Variant Classification Criteria 13 December 2019. Collection method: clinical testing. Allele origin: germline.